The following is an entry in ClinVar:

NM_001356.5(DDX3X):c.1250A>G (p.Gln417Arg)

Gene: DDX3X (DEAD-box helicase 3 X-linked; plus strand). Cytogenetic location: Xp11.4.
Variant type: single nucleotide variant.
Coding change: c.1250A>G on transcript NM_001356.5 (MANE Select); coding-DNA position 1250, A replaced by G.
Protein change: p.Gln417Arg; replaces glutamine 417 with arginine.
Molecular consequence: missense variant. On other transcripts: non-coding transcript variant (1).
Genome position (GRCh38, 1-based): chrX:41,345,483, A>G. VCF-style: chrX-41345483-A-G. GRCh37 (hg19) VCF-style: chrX-41204736-A-G.
Other names: c.1250A>G, p.Gln417Arg (NM_001193416.3); c.1202A>G, p.Gln401Arg (NM_001193417.3); c.692A>G, p.Gln231Arg (NM_001363819.1); short protein forms Q231R, Q401R, Q417R.
Identifiers: ClinVar variation 2573016 (VCV002573016.1), dbSNP rs796052233, ClinGen allele CA412772011.

ClinVar aggregate classification (germline): Likely pathogenic (1 of 4 stars; one submission).

Conditions:
Intellectual disability, X-linked 102 (MRXSSB). Also called: Intellectual developmental disorder, X-linked syndromic, Snijders Blok type. Identifiers: Orphanet 457260, MedGen C5393299, MONDO:0010497, OMIM 300958.

Submission:

Illumina Laboratory Services, Illumina
Classification: Likely pathogenic for Intellectual disability, X-linked 102. Last evaluated: 2023-04-05. Review status: criteria provided, single submitter. Criteria: ICSLVariantClassificationCriteria RUGD 01 April 2020. Collection method: clinical testing. Allele origin: unknown.
Comment: The DDX3X c.1250A>G (p.Gln417Arg) missense variant results in the substitution of glutamine at amino acid position 417 with arginine. To our knowledge, this variant has not been reported in the peer-reviewed literature. At least two individuals with X-linked syndromic intellectual disability have been reported with different variants at the same amino acid residue (p.Gln417Pro and p.Gln417His respectively) (PMID: 26235985; PMID: 32600431). The c.1250A>G variant is not found in version 2.1.1 or version 3.1.2 of the Genome Aggregation Database. This variant is located in the helicase C-terminal domain where previously reported variants in affected females have been identified. This variant was identified in a de novo state. Based on the available evidence, the c.1250A>G (p.Gln417Arg) variant is classified as likely pathogenic for X-linked syndromic intellectual disability.

Literature cited by the submitters: PubMed 32600431; PubMed 26235985.